The following is an entry in ClinVar:

NM_001244008.2(KIF1A):c.1768+18G>A

Gene: KIF1A (kinesin family member 1A; minus strand). Cytogenetic location: 2q37.3.
Variant type: single nucleotide variant.
Coding change: c.1768+18G>A on transcript NM_001244008.2 (MANE Select); 18 bases into the intron after coding-DNA position 1768, G replaced by A.
Molecular consequence: intron variant.
Genome position (GRCh38, 1-based): chr2:240,765,692, C>T on the plus strand (G>A on the coding strand, the complement: KIF1A is on the minus strand). VCF-style: chr2-240765692-C-T. GRCh37 (hg19) VCF-style: chr2-241705109-C-T.
Other names: c.1741+18G>A (NM_001379653.1, NM_001379650.1, NM_001379645.1 and 10 more transcripts); c.1843+18G>A (NM_001379635.1, NM_001330290.2, NM_001379646.1 and 2 more transcripts); c.1816+18G>A (NM_001379637.1, NM_001379648.1); c.1768+18G>A (NM_001320705.2, NM_001379638.1, NM_001330289.2).
Identifiers: ClinVar variation 385834 (VCV000385834.9), dbSNP rs574613321, ClinGen allele CA2208286.

ClinVar aggregate classification (germline): Likely benign. Review status: criteria provided, multiple submitters, no conflicts (2 of 4 stars). 2 submissions from 2 submitters: Likely benign (2). Last evaluated 2026-02-03.

Conditions:
Neuropathy, hereditary sensory, type 2C. Also called: KIF1A-Related HSAN2 (HSAN2C); Hereditary sensory and autonomic neuropathy type IIC. Identifiers: Orphanet 970, MedGen C3280168, MONDO:0013634, OMIM 614213.
Intellectual disability, autosomal dominant 9 (NESCAVS). Also called: NESCAV SYNDROME; KIF1A-Related Neurodevelopmental Disorder. Identifiers: Orphanet 662367, MedGen C5393830, MONDO:0013656, OMIM 614255.
Hereditary spastic paraplegia 30. Identifiers: Orphanet 101010, MedGen C5235139, MONDO:0012476.

Allele frequency attached by ClinVar (database versions not stated): gnomAD 0.00004 and 0.00005; gnomAD exomes 0.00004 and 0.00008; ExAC 0.00005; TOPMed 0.00005; 1000 Genomes Project 30x 0.00016; 1000 Genomes Project 0.00020.
gnomAD v4.1: 119 of 1,603,154 alleles (0.0074%); highest among the groups gnomAD compares: Middle Eastern, 0.05%; no homozygotes.

Submissions (2):

Labcorp Genetics (formerly Invitae), Labcorp
Classification: Likely benign for Hereditary spastic paraplegia 30; Neuropathy, hereditary sensory, type 2C; Intellectual disability, autosomal dominant 9. Last evaluated: 2026-02-03. Review status: criteria provided, single submitter. Criteria: Invitae Variant Classification Sherloc (09022015). Collection method: clinical testing. Allele origin: germline.

GeneDx
Classification: Likely benign. Last evaluated: 2016-05-06. Review status: criteria provided, single submitter. Criteria: GeneDx Variant Classification (06012015). Collection method: clinical testing. Allele origin: germline. Affected: yes.
Comment: This variant is considered likely benign or benign based on one or more of the following criteria: it is a conservative change, it occurs at a poorly conserved position in the protein, it is predicted to be benign by multiple in silico algorithms, and/or has population frequency not consistent with disease.